The following is an entry in ClinVar:

NM_001267550.2(TTN):c.96989T>C (p.Ile32330Thr)

Genes: TTN-AS1 (TTN antisense RNA 1; plus strand), TTN (titin; minus strand). Cytogenetic location: 2q31.2.
Variant type: single nucleotide variant.
Coding change: c.96989T>C on transcript NM_001267550.2 (MANE Select); coding-DNA position 96989, T replaced by C.
Protein change: p.Ile32330Thr; replaces isoleucine 32330 with threonine.
Molecular consequence: missense variant.
Genome position (GRCh38, 1-based): chr2:178,542,865, A>G on the plus strand (T>C on the coding strand, the complement: TTN is on the minus strand). VCF-style: chr2-178542865-A-G. GRCh37 (hg19) VCF-style: chr2-179407592-A-G.
Other names: c.89285T>C (NM_133378.4); c.92066T>C, p.Ile30689Thr (NM_001256850.1); c.69794T>C, p.Ile23265Thr (NM_003319.4); c.70169T>C, p.Ile23390Thr (NM_133432.3); c.70370T>C, p.Ile23457Thr (NM_133437.4); short protein forms I32330T, I23265T, I30689T, I23457T, I23390T.
Identifiers: ClinVar variation 167760 (VCV000167760.42), dbSNP rs201023432, ClinGen allele CA235042.

ClinVar aggregate classification (germline): Conflicting classifications of pathogenicity. Review status: criteria provided, conflicting classifications (1 of 4 stars). 11 submissions from 11 submitters: Uncertain significance (8); Likely benign (3). Last evaluated 2026-07-01.

Conditions:
Cardiovascular phenotype. Identifiers: MedGen CN230736.
TTN-related disorder. Also called: TTN-related disorders; TTN-related condition; TTN-related disease.
Dilated cardiomyopathy 1G (CMD1G). Identifiers: Orphanet 154, MedGen C1858763, MONDO:0011400, OMIM 604145.
Autosomal recessive limb-girdle muscular dystrophy type 2J (LGMDR10). Also called: Limb-girdle muscular dystrophy, type 2J; MUSCULAR DYSTROPHY, LIMB-GIRDLE, AUTOSOMAL RECESSIVE 10. Identifiers: Orphanet 140922, MedGen C1837342, MONDO:0012127, OMIM 608807.
Hypertrophic cardiomyopathy 9. Also called: Familial hypertrophic cardiomyopathy 9. Identifiers: MedGen C1861065, MONDO:0013412, OMIM 613765.
Myopathy, myofibrillar, 9, with early respiratory failure (MFM9). Also called: Hereditary myopathy with early respiratory failure; MYOPATHY, PROXIMAL, WITH EARLY RESPIRATORY MUSCLE INVOLVEMENT; EDSTROM MYOPATHY; Myopathy, distal, with early respiratory failure, autosomal dominant. Identifiers: Orphanet 178464, Orphanet 34521, MedGen C1863599, MONDO:0011362, OMIM 603689.
Tibial muscular dystrophy (TMD). Also called: UDD MYOPATHY; Tibial muscular dystrophy, tardive; Udd Distal Myopathy – Tibial Muscular Dystrophy. Identifiers: Orphanet 609, MedGen C1838244, MONDO:0010870, OMIM 600334.
Early-onset myopathy with fatal cardiomyopathy (CMYO5). Also called: CONGENITAL MYOPATHY 5 WITH CARDIOMYOPATHY; Salih Myopathy. Identifiers: Orphanet 289377, MedGen C2673677, MONDO:0012714, OMIM 611705. Disease mechanism: loss of function.

Allele frequency attached by ClinVar (database versions not stated): ExAC 0.00004; gnomAD exomes 0.00006 and 0.00024; TOPMed 0.00007; ESP Exome Variant Server 0.00008; gnomAD 0.00009.
gnomAD v4.1: 356 of 1,613,702 alleles (0.022%); highest among the groups gnomAD compares: Non-Finnish European, 0.029%; no homozygotes.

Submissions (11):

PreventionGenetics, part of Exact Sciences
Classification: Uncertain significance for TTN-related condition. Last evaluated: 2026-07-01. Review status: criteria provided, single submitter. Criteria: ACMG Guidelines, 2015. Collection method: clinical testing. Allele origin: germline.
Comment: The TTN c.96989T>C variant is predicted to result in the amino acid substitution p.Ile32330Thr. This variant has been reported in an individual with monogenic dilated cardiomyopathy (Table S3, Mazzarotto et al. 2020. PubMed ID: 31983221). This variant has also been reported in an individual from a hypertrophic cardiomyopathy cohort (reported as c.69794T>C, p.Ile23265Thr from transcript NM_003319 in Table S1, Lopes et al. 2013. PubMed ID: 23396983). This variant is reported in 0.012% of alleles in individuals of European (Non-Finnish) descent in gnomAD. At this time, the clinical significance of this variant is uncertain due to the absence of conclusive functional and genetic evidence.

Molecular Diagnostic Laboratory for Inherited Cardiovascular Disease, Montreal Heart Institute
Classification: Likely benign. Last evaluated: 2026-03-27. Review status: criteria provided, single submitter. Criteria: ACMG Guidelines, 2015. Collection method: clinical testing. Allele origin: germline. Affected: no.
Comment: BS1;BP1

Blueprint Genetics
Classification: Likely benign. Last evaluated: 2024-07-01. Review status: criteria provided, single submitter. Criteria: ACMG Guidelines, 2015. Collection method: clinical testing. Allele origin: germline.

Women's Health and Genetics/Laboratory Corporation of America, LabCorp
Classification: Uncertain significance. Last evaluated: 2023-12-18. Review status: criteria provided, single submitter. Criteria: LabCorp Variant Classification Summary - May 2015. Collection method: clinical testing. Allele origin: germline.
Comment: Variant summary: TTN c.89285T>C (p.Ile29762Thr) results in a non-conservative amino acid change located in the A-band region of the encoded protein sequence. Four of five in-silico tools predict a damaging effect of the variant on protein function. The variant allele was found at a frequency of 6.1e-05 in 247660 control chromosomes. This frequency is not significantly higher than estimated for a pathogenic variant in TTN causing Dilated Cardiomyopathy (6.1e-05 vs 0.00039), allowing no conclusion about variant significance. c.89285T>C has been reported in the literature in individuals affected with Dilated Cardiomyopathy and hypertrophic Cardiomyopathy without strong evidence for causality (examples, Lopes_2013, Mazzarotto_2020). These report(s) do not provide unequivocal conclusions about association of the variant with Dilated Cardiomyopathy. To our knowledge, no experimental evidence demonstrating an impact on protein function has been reported. The following publications have been ascertained in the context of this evaluation (PMID: 23396983, 31983221). Seven submitters have cited clinical-significance assessments for this variant to ClinVar after 2014 (VUS, n=6; Likely benign, n=1). Based on the evidence outlined above, the variant was classified as uncertain significance.

CeGaT Center for Human Genetics Tuebingen
Classification: Uncertain significance. Last evaluated: 2022-06-01. Review status: criteria provided, single submitter. Criteria: CeGaT Center For Human Genetics Tuebingen Variant Classification Criteria Version 2. Collection method: clinical testing. Allele origin: germline. Affected: yes. Observed: 1 variant allele.

Mayo Clinic Laboratories, Mayo Clinic
Classification: Uncertain significance. Last evaluated: 2022-05-17. Review status: criteria provided, single submitter. Criteria: ACMG Guidelines, 2015. Collection method: clinical testing. Allele origin: germline. Observed: 1 variant allele.

Revvity Omics, Revvity
Classification: Uncertain significance. Last evaluated: 2022-04-20. Review status: criteria provided, single submitter. Criteria: ACMG Guidelines, 2015. Collection method: clinical testing. Allele origin: germline.

Fulgent Genetics
Classification: Uncertain significance for Tibial muscular dystrophy; Myopathy, myofibrillar, 9, with early respiratory failure; Dilated cardiomyopathy 1G; Autosomal recessive limb-girdle muscular dystrophy type 2J; Early-onset myopathy with fatal cardiomyopathy; Hypertrophic cardiomyopathy 9. Last evaluated: 2021-10-08. Review status: criteria provided, single submitter. Criteria: ACMG Guidelines, 2015. Collection method: clinical testing. Allele origin: unknown.

Ambry Genetics
Classification: Likely benign for Cardiovascular phenotype. Last evaluated: 2020-02-21. Review status: criteria provided, single submitter. Criteria: Ambry Variant Classification Scheme 2023. Collection method: clinical testing. Allele origin: germline.

Labcorp Genetics (formerly Invitae), Labcorp
Classification: Uncertain significance for Dilated cardiomyopathy 1G; Autosomal recessive limb-girdle muscular dystrophy type 2J. Last evaluated: 2017-02-09. Review status: criteria provided, single submitter. Criteria: Invitae Variant Classification Sherloc (09022015). Collection method: clinical testing. Allele origin: germline.

Eurofins Ntd Llc (ga)
Classification: Uncertain significance. Last evaluated: 2016-04-11. Review status: criteria provided, single submitter. Criteria: EGL Classification Definitions 2015. Collection method: clinical testing. Allele origin: germline. Observed: 2 variant alleles, 2 heterozygotes.

Literature cited by the submitters: PubMed 23396983 (cited by Women's Health and Genetics/Laboratory Corporation of America, LabCorp); PubMed 31983221 (cited by Women's Health and Genetics/Laboratory Corporation of America, LabCorp and Mayo Clinic Laboratories, Mayo Clinic).